The following is an entry in ClinVar:

NM_000059.4(BRCA2):c.880G>A (p.Glu294Lys)

Gene: BRCA2 (BRCA2 DNA repair associated; plus strand). Cytogenetic location: 13q13.1.
Variant type: single nucleotide variant.
Coding change: c.880G>A on transcript NM_000059.4 (MANE Select); coding-DNA position 880, G replaced by A.
Protein change: p.Glu294Lys; replaces glutamic acid 294 with lysine.
Molecular consequence: missense variant.
Genome position (GRCh38, 1-based): chr13:32,332,358, G>A. VCF-style: chr13-32332358-G-A. GRCh37 (hg19) VCF-style: chr13-32906495-G-A.
Other names: short protein forms E294K.
Identifiers: ClinVar variation 918109 (VCV000918109.4), dbSNP rs397508009, ClinGen allele CA387760638.

ClinVar aggregate classification (germline): Conflicting classifications of pathogenicity. Review status: criteria provided, conflicting classifications (1 of 4 stars). 3 submissions from 3 submitters: Uncertain significance (2); Likely benign (1). Last evaluated 2025-08-26.

Conditions:
Hereditary cancer-predisposing syndrome. Also called: Tumor predisposition; Hereditary neoplastic syndrome; Hereditary Cancer Syndrome; Neoplastic Syndromes, Hereditary. Identifiers: Orphanet 140162, MedGen C0027672, MeSH D009386, MONDO:0015356.

Submissions (3):

Ambry Genetics
Classification: Uncertain significance for Hereditary cancer-predisposing syndrome. Last evaluated: 2025-08-26. Review status: criteria provided, single submitter. Criteria: Ambry Variant Classification Scheme 2023. Collection method: clinical testing. Allele origin: germline.
Comment: The p.E294K variant (also known as c.880G>A), located in coding exon 9 of the BRCA2 gene, results from a G to A substitution at nucleotide position 880. The glutamic acid at codon 294 is replaced by lysine, an amino acid with similar properties. This amino acid position is not well conserved in available vertebrate species. In addition, this alteration is predicted to be tolerated by in silico analysis. Based on the available evidence, the clinical significance of this variant remains unclear.

University of Washington Department of Laboratory Medicine, University of Washington
Classification: Likely benign for Hereditary cancer-predisposing syndrome. Last evaluated: 2023-03-23. Review status: criteria provided, single submitter. Criteria: Dines et al. (Genet Med. 2020). Collection method: curation. Allele origin: germline.
Comment: Missense variant in a coldspot region where missense variants are very unlikely to be pathogenic (PMID:31911673).

BRCA2 exon 10 coldspot. Reclassification based on statistical prior probability.

Women's Health and Genetics/Laboratory Corporation of America, LabCorp
Classification: Uncertain significance. Last evaluated: 2020-03-02. Review status: criteria provided, single submitter. Criteria: LabCorp Variant Classification Summary - May 2015. Collection method: clinical testing. Allele origin: germline.
Comment: Variant summary: BRCA2 c.880G>A (p.Glu294Lys) results in a conservative amino acid change in the encoded protein sequence. Five of five in-silico tools predict a benign effect of the variant on protein function. The variant was absent in 240148 control chromosomes. The available data on variant occurrences in the general population are insufficient to allow any conclusion about variant significance. To our knowledge, no occurrence of c.880G>A in individuals affected with Hereditary Breast and Ovarian Cancer and no experimental evidence demonstrating its impact on protein function have been reported. No clinical diagnostic laboratories have submitted clinical-significance assessments for this variant to ClinVar after 2014. Based on the evidence outlined above, the variant was classified as uncertain significance.